The following is an entry in ClinVar:

NM_001174089.2(SLC4A11):c.992G>A (p.Arg331Gln)

Gene: SLC4A11 (solute carrier family 4 member 11; minus strand). Cytogenetic location: 20p13.
Variant type: single nucleotide variant.
Coding change: c.992G>A on transcript NM_001174089.2 (MANE Select); coding-DNA position 992, G replaced by A.
Protein change: p.Arg331Gln; replaces arginine 331 with glutamine.
Molecular consequence: missense variant. On other transcripts: non-coding transcript variant (1).
Genome position (GRCh38, 1-based): chr20:3,231,199, C>T on the plus strand (G>A on the coding strand, the complement: SLC4A11 is on the minus strand). VCF-style: chr20-3231199-C-T. GRCh37 (hg19) VCF-style: chr20-3211845-C-T.
Other names: c.1121G>A, p.Arg374Gln (NM_001174090.2); c.992G>A, p.Arg331Gln (NM_001363745.2); c.1040G>A, p.Arg347Gln (NM_032034.4); short protein forms R347Q, R331Q, R374Q.
Identifiers: ClinVar variation 709514 (VCV000709514.16), dbSNP rs112163941, ClinGen allele CA9742042.
Genomic context (GRCh38, chr20:3,231,199, plus strand): 5'-GGCCACGTACCATCAGTGAAGTCCAAGGGGTACAAGGGGAACCTGCGTGCGATGTCCTCC[C>T]GGATGCCCTTCCCAAAAGGGACAAAGTCCTTGCACTTTGGGGGCTGGAGGAGAGGACAGA-3'
Protein context (NP_001167560.1, residues 321-341): KDFVPFGKGI[Arg331Gln]EDIARRFPLY

ClinVar aggregate classification (germline): Conflicting classifications of pathogenicity. Review status: criteria provided, conflicting classifications (1 of 4 stars). 4 submissions from 4 submitters: Uncertain significance (1); Benign (1). 2 of the submissions do not count toward it. Last evaluated 2026-01-31.

Conditions:
Corneal dystrophy-perceptive deafness syndrome (CDPD). Also called: HARBOYAN SYNDROME; CORNEAL DYSTROPHY AND SENSORINEURAL DEAFNESS. Identifiers: Orphanet 1490, MedGen C1857572, MONDO:0009015, OMIM 217400.
SLC4A11-related disorder. Also called: SLC4A11-related condition.
Corneal dystrophy. Identifiers: Orphanet 34533, MedGen C0010036, MONDO:0018102, HP:0001131.

Allele frequency attached by ClinVar (database versions not stated): gnomAD exomes 0.00018 and 0.00057; ExAC 0.00060; 1000 Genomes Project 30x 0.00125; 1000 Genomes Project 0.00140; gnomAD 0.00156 and 0.00170; ESP Exome Variant Server 0.00177; TOPMed 0.00181.
gnomAD v4.1: 516 of 1,614,070 alleles (0.032%); highest among the groups gnomAD compares: African/African-American, 0.6%; 3 homozygotes.

Submissions (4):

Labcorp Genetics (formerly Invitae), Labcorp
Classification: Benign. Last evaluated: 2026-01-31. Review status: criteria provided, single submitter. Criteria: Invitae Variant Classification Sherloc (09022015). Collection method: clinical testing. Allele origin: germline.

Illumina Laboratory Services, Illumina
Classification: Uncertain significance for Corneal dystrophy. Last evaluated: 2018-01-13. Review status: criteria provided, single submitter. Criteria: ICSL Variant Classification Criteria 13 December 2019. Collection method: clinical testing. Allele origin: germline.

PreventionGenetics, part of Exact Sciences
Classification: Likely benign for SLC4A11-related condition. Last evaluated: 2024-08-28. Review status: no assertion criteria provided. Collection method: clinical testing. Allele origin: germline. Not counted in ClinVar's aggregate classification.
Comment: This variant is classified as likely benign based on ACMG/AMP sequence variant interpretation guidelines (Richards et al. 2015 PMID: 25741868, with internal and published modifications).

Natera, Inc.
Classification: Benign for Harboyan syndrome. Last evaluated: 2020-09-16. Review status: no assertion criteria provided. Collection method: clinical testing. Allele origin: germline. Not counted in ClinVar's aggregate classification.